The following is an entry in ClinVar:

NM_003742.4(ABCB11):c.3839T>G (p.Ile1280Ser)

Gene: ABCB11 (ATP binding cassette subfamily B member 11; minus strand). Cytogenetic location: 2q31.1.
Variant type: single nucleotide variant.
Coding change: c.3839T>G on transcript NM_003742.4 (MANE Select); coding-DNA position 3839, T replaced by G.
Protein change: p.Ile1280Ser; replaces isoleucine 1280 with serine.
Molecular consequence: missense variant.
Genome position (GRCh38, 1-based): chr2:168,923,749, A>C on the plus strand (T>G on the coding strand, the complement: ABCB11 is on the minus strand). VCF-style: chr2-168923749-A-C. GRCh37 (hg19) VCF-style: chr2-169780259-A-C.
Other names: short protein forms I1280S.
Identifiers: ClinVar variation 4846042 (VCV004846042.1).

ClinVar aggregate classification (germline): Uncertain significance (1 of 4 stars; one submission).

Conditions:
Familial intrahepatic cholestasis. Identifiers: Orphanet 284385, MedGen CN296401, MONDO:0017290.

Submission:

Genomenon, Inc
Classification: Uncertain significance for Familial intrahepatic cholestasis. Last evaluated: 2026-04-14. Review status: criteria provided, single submitter. Criteria: Genomenon Sequence Variant Interpretation Standards - Updated. Collection method: curation. Allele origin: germline. Affected: yes.
Comment: ABCB11 p.Ile1280Ser (c.3839T>G) is a missense variant that changes the amino acid at residue 1280 from Isoleucine to Serine. This variant has been observed in at least one proband with an ABCB11-related disorder (PMID:32087350). It is absent or not present at a significant frequency in gnomAD. In silico models predict that this variant is possibly or probably damaging. In conclusion, we classify ABCB11 p.Ile1280Ser (c.3839T>G) as a variant of uncertain significance.

Literature cited by the submitters: PubMed 32087350.